The following is an entry in ClinVar:

ClinVar aggregate classification (germline): Uncertain significance. Review status: criteria provided, multiple submitters, no conflicts (2 of 4 stars). 3 submissions from 3 submitters: Uncertain significance (3). Last evaluated 2024-11-26.

Conditions:
RIPOR2-related disorder. Also called: RIPOR2-related condition.

gnomAD v4.1: 15 of 1,552,082 alleles (0.00097%); highest among the groups gnomAD compares: African/African-American, 0.019%; no homozygotes.

Submissions (3):

PreventionGenetics, part of Exact Sciences
Classification: Uncertain significance for RIPOR2-related condition. Last evaluated: 2024-11-26. Review status: criteria provided, single submitter. Criteria: ACMG Guidelines, 2015. Collection method: clinical testing. Allele origin: germline.
Comment: The RIPOR2 c.2762A>T variant is predicted to result in the amino acid substitution p.Asp921Val. To our knowledge, this variant has not been reported in the literature. This variant is reported in 0.018% of alleles in individuals of African descent in gnomAD. At this time, the clinical significance of this variant is uncertain due to the absence of conclusive functional and genetic evidence.

Ambry Genetics
Classification: Uncertain significance. Last evaluated: 2024-05-07. Review status: criteria provided, single submitter. Criteria: Ambry Variant Classification Scheme 2023. Collection method: clinical testing. Allele origin: germline.

GeneDx
Classification: Uncertain significance. Last evaluated: 2022-03-15. Review status: criteria provided, single submitter. Criteria: GeneDx Variant Classification Process June 2021. Collection method: clinical testing. Allele origin: germline. Affected: yes.
Comment: In silico analysis supports that this missense variant has a deleterious effect on protein structure/function; Has not been previously published as pathogenic or benign to our knowledge; Variants in candidate genes are classified as variants of uncertain significance in accordance with ACMG guidelines (Richards et al., 2015)

NM_001286445.3(RIPOR2):c.2699A>T (p.Asp900Val)

Gene: RIPOR2 (RHO family interacting cell polarization regulator 2; minus strand). Cytogenetic location: 6p22.3.
Variant type: single nucleotide variant.
Coding change: c.2699A>T on transcript NM_001286445.3 (MANE Select); coding-DNA position 2699, A replaced by T.
Protein change: p.Asp900Val; replaces aspartic acid 900 with valine.
Molecular consequence: missense variant.
Genome position (GRCh38, 1-based): chr6:24,825,395, T>A on the plus strand (A>T on the coding strand, the complement: RIPOR2 is on the minus strand). VCF-style: chr6-24825395-T-A. GRCh37 (hg19) VCF-style: chr6-24825623-T-A.
Other names: c.2762A>T (NM_014722.3, NM_014722.4); c.2612A>T, p.Asp871Val (NM_001346031.2, NM_001346032.2); c.2762A>T, p.Asp921Val (NM_014722.5); short protein forms D900V, D921V, D871V.
Identifiers: ClinVar variation 3314538 (VCV003314538.3).